The following is an entry in ClinVar:

NM_000400.4(ERCC2):c.1259C>T (p.Pro420Leu)

Gene: ERCC2 (ERCC excision repair 2, TFIIH core complex helicase subunit; minus strand). Cytogenetic location: 19q13.32.
Variant type: single nucleotide variant.
Coding change: c.1259C>T on transcript NM_000400.4 (MANE Select); coding-DNA position 1259, C replaced by T.
Protein change: p.Pro420Leu; replaces proline 420 with leucine.
Molecular consequence: missense variant.
Genome position (GRCh38, 1-based): chr19:45,357,678, G>A on the plus strand (C>T on the coding strand, the complement: ERCC2 is on the minus strand). VCF-style: chr19-45357678-G-A. GRCh37 (hg19) VCF-style: chr19-45860936-G-A.
Other names: short protein forms P420L.
Identifiers: ClinVar variation 3276262 (VCV003276262.2).

ClinVar aggregate classification (germline): Uncertain significance. Review status: criteria provided, multiple submitters, no conflicts (2 of 4 stars). 2 submissions from 2 submitters: Uncertain significance (2). Last evaluated 2024-07-08.

Conditions:
Inborn genetic diseases. Identifiers: MedGen C0950123, MeSH D030342.

Submissions (2):

Blueprint Genetics
Classification: Uncertain significance. Last evaluated: 2024-07-08. Review status: criteria provided, single submitter. Criteria: ACMG Guidelines, 2015. Collection method: clinical testing. Allele origin: germline.

Ambry Genetics
Classification: Uncertain significance for Inborn genetic diseases. Last evaluated: 2024-04-17. Review status: criteria provided, single submitter. Criteria: Ambry Variant Classification Scheme 2023. Collection method: clinical testing. Allele origin: germline.
Comment: The p.P420L variant (also known as c.1259C>T), located in coding exon 13 of the ERCC2 gene, results from a C to T substitution at nucleotide position 1259. The proline at codon 420 is replaced by leucine, an amino acid with similar properties. This amino acid position is conserved. In addition, this alteration is predicted to be deleterious by in silico analysis. Based on the available evidence, the clinical significance of this variant remains unclear.